The following is an entry in ClinVar:

NM_018136.5(ASPM):c.5975_5983del (p.Ile1992_Lys1994del)

Gene: ASPM (assembly factor for spindle microtubules; minus strand). Cytogenetic location: 1q31.3.
Variant type: Deletion.
Coding change: c.5975_5983del on transcript NM_018136.5 (MANE Select); coding-DNA positions 5975 to 5983, 9 bases deleted (TCATGAAAA; older notation c.5975_5983delTCATGAAAA).
Protein change: p.Ile1992_Lys1994del.
Molecular consequence: inframe deletion. On other transcripts: intron variant (1).
Genome position (GRCh38, 1-based): chr1:197,103,268-197,103,276, TTTTCATGA deleted on the plus strand (TCATGAAAA on the coding strand, the reverse complement: ASPM is on the minus strand); deleting any 9 consecutive bases within chr1:197,103,268-197,103,281 gives the same sequence; the c. name uses the placement nearest the transcript's 3' end. VCF-style (leftmost placement, unchanged base first): chr1-197103267-TTTTTCATGA-T. GRCh37 (hg19) VCF-style: chr1-197072397-TTTTTCATGA-T.
Other names: c.4066-7112_4066-7104del (NM_001206846.2).
Identifiers: ClinVar variation 2060866 (VCV002060866.6), dbSNP rs1220559093, ClinGen allele CA528535007.

ClinVar aggregate classification (germline): Uncertain significance. Review status: criteria provided, multiple submitters, no conflicts (2 of 4 stars). 3 submissions from 3 submitters: Uncertain significance (3). Last evaluated 2023-04-11.

Conditions:
Microcephaly 5, primary, autosomal recessive (MCPH5). Also called: ASPM Primary Microcephaly. Identifiers: Orphanet 2512, MedGen C1837501, MONDO:0012106, OMIM 608716.
Inborn genetic diseases. Identifiers: MedGen C0950123, MeSH D030342.

Submissions (3):

Genome-Nilou Lab
Classification: Uncertain significance for Microcephaly 5, primary, autosomal recessive. Last evaluated: 2023-04-11. Review status: criteria provided, single submitter. Criteria: ACMG Guidelines, 2015. Collection method: clinical testing. Allele origin: germline. Affected: no.

Labcorp Genetics (formerly Invitae), Labcorp
Classification: Uncertain significance. Last evaluated: 2022-03-20. Review status: criteria provided, single submitter. Criteria: Invitae Variant Classification Sherloc (09022015). Collection method: clinical testing. Allele origin: germline.
Comment: In summary, the available evidence is currently insufficient to determine the role of this variant in disease. Therefore, it has been classified as a Variant of Uncertain Significance. Experimental studies and prediction algorithms are not available or were not evaluated, and the functional significance of this variant is currently unknown. This variant has not been reported in the literature in individuals affected with ASPM-related conditions. This variant is present in population databases (no rsID available, gnomAD 0.003%). This variant, c.5975_5983del, results in the deletion of 3 amino acid(s) of the ASPM protein (p.Ile1992_Lys1994del), but otherwise preserves the integrity of the reading frame.

Ambry Genetics
Classification: Uncertain significance for Inborn genetic diseases. Last evaluated: 2021-08-20. Review status: criteria provided, single submitter. Criteria: Ambry Variant Classification Scheme 2023. Collection method: clinical testing. Allele origin: germline.
Comment: The c.5975_5983delTCATGAAAA (p.I1992_K1994del) alteration is located in exon 18 (coding exon 18) of the ASPM gene. This alteration consists of an in-frame deletion of 9 nucleotides between nucleotide positions c.5975 and c.5983, resulting in the deletion of 3 residues. Based on insufficient or conflicting evidence, the clinical significance of this alteration remains unclear.